The following is an entry in ClinVar:

ClinVar aggregate classification (germline): Uncertain significance. Review status: criteria provided, multiple submitters, no conflicts (2 of 4 stars). 2 submissions from 2 submitters: Uncertain significance (2). Last evaluated 2021-03-29.

Conditions:
Hereditary cancer-predisposing syndrome. Also called: Neoplastic Syndromes, Hereditary; Tumor predisposition; Hereditary neoplastic syndrome; Hereditary Cancer Syndrome. Identifiers: Orphanet 140162, MedGen C0027672, MeSH D009386, MONDO:0015356.

Submissions (2):

Labcorp Genetics (formerly Invitae), Labcorp
Classification: Uncertain significance for Hereditary cancer-predisposing syndrome. Last evaluated: 2021-03-29. Review status: criteria provided, single submitter. Criteria: Invitae Variant Classification Sherloc (09022015). Collection method: clinical testing. Allele origin: germline.
Comment: In summary, the available evidence is currently insufficient to determine the role of this variant in disease. Therefore, it has been classified as a Variant of Uncertain Significance. Algorithms developed to predict the effect of missense changes on protein structure and function are either unavailable or do not agree on the potential impact of this missense change (SIFT: "Deleterious"; PolyPhen-2: "Probably Damaging"; Align-GVGD: "Class C0"). This variant has not been reported in the literature in individuals with RAD50-related conditions. ClinVar contains an entry for this variant (Variation ID: 827533). This variant is not present in population databases (ExAC no frequency). This sequence change replaces leucine with tryptophan at codon 275 of the RAD50 protein (p.Leu275Trp). The leucine residue is highly conserved and there is a small physicochemical difference between leucine and tryptophan.

Ambry Genetics
Classification: Uncertain significance for Hereditary cancer-predisposing syndrome. Last evaluated: 2019-03-11. Review status: criteria provided, single submitter. Criteria: Ambry Variant Classification Scheme 2023. Collection method: clinical testing. Allele origin: germline.
Comment: The p.L275W variant (also known as c.824T>G), located in coding exon 6 of the RAD50 gene, results from a T to G substitution at nucleotide position 824. The leucine at codon 275 is replaced by tryptophan, an amino acid with similar properties. This amino acid position is highly conserved in available vertebrate species. In addition, the in silico prediction for this alteration is inconclusive. Since supporting evidence is limited at this time, the clinical significance of this alteration remains unclear.

NM_005732.4(RAD50):c.824T>G (p.Leu275Trp)

Gene: RAD50 (RAD50 double strand break repair protein; plus strand). Cytogenetic location: 5q31.1.
Variant type: single nucleotide variant.
Coding change: c.824T>G on transcript NM_005732.4 (MANE Select); coding-DNA position 824, T replaced by G.
Protein change: p.Leu275Trp; replaces leucine 275 with tryptophan.
Molecular consequence: missense variant.
Genome position (GRCh38, 1-based): chr5:132,587,629, T>G. VCF-style: chr5-132587629-T-G. GRCh37 (hg19) VCF-style: chr5-131923321-T-G.
Other names: short protein forms L275W.
Identifiers: ClinVar variation 827533 (VCV000827533.12), dbSNP rs1580991867, ClinGen allele CA360940241.